The following is an entry in ClinVar:

ClinVar aggregate classification (germline): Uncertain significance (1 of 4 stars; one submission).

Submission:

Labcorp Genetics (formerly Invitae), Labcorp
Classification: Uncertain significance. Last evaluated: 2023-08-17. Review status: criteria provided, single submitter. Criteria: Invitae Variant Classification Sherloc (09022015). Collection method: clinical testing. Allele origin: germline.
Comment: In summary, the available evidence is currently insufficient to determine the role of this variant in disease. Therefore, it has been classified as a Variant of Uncertain Significance. An algorithm developed to predict the effect of missense changes on protein structure and function (PolyPhen-2) suggests that this variant is likely to be disruptive. This sequence change replaces arginine, which is basic and polar, with serine, which is neutral and polar, at codon 224 of the ATR protein (p.Arg224Ser). This variant is not present in population databases (gnomAD no frequency). This variant has not been reported in the literature in individuals affected with ATR-related conditions. ClinVar contains an entry for this variant (Variation ID: 967977).

NM_001184.4(ATR):c.672G>T (p.Arg224Ser)

Gene: ATR (ATR checkpoint kinase; minus strand). Cytogenetic location: 3q23.
Variant type: single nucleotide variant.
Coding change: c.672G>T on transcript NM_001184.4 (MANE Select); coding-DNA position 672, G replaced by T.
Protein change: p.Arg224Ser; replaces arginine 224 with serine.
Molecular consequence: missense variant.
Genome position (GRCh38, 1-based): chr3:142,562,730, C>A on the plus strand (G>T on the coding strand, the complement: ATR is on the minus strand). VCF-style: chr3-142562730-C-A. GRCh37 (hg19) VCF-style: chr3-142281572-C-A.
Other names: c.672G>T, p.Arg224Ser (NM_001354579.2); short protein forms R224S.
Identifiers: ClinVar variation 967977 (VCV000967977.9), dbSNP rs2034927130, ClinGen allele CA354826060.